The following is an entry in ClinVar:

NM_001197104.2(KMT2A):c.186_191dup (p.Ala67_Gly68insAlaAla)

Gene: KMT2A (lysine methyltransferase 2A; plus strand). Cytogenetic location: 11q23.3.
Variant type: Duplication.
Coding change: c.186_191dup on transcript NM_001197104.2 (MANE Select); coding-DNA positions 186 to 191, 6 bases duplicated (CGCGGC; older notation c.186_191dupCGCGGC).
Protein change: p.Ala67_Gly68insAlaAla.
Genome position (GRCh38, 1-based): chr11:118,436,698-118,436,703, CGCGGC duplicated; duplicating any 6 consecutive bases within chr11:118,436,693-118,436,703 gives the same sequence; the c. name uses the placement nearest the transcript's 3' end. VCF-style (leftmost placement, unchanged base first): chr11-118436692-G-GGCGGCC. GRCh37 (hg19) VCF-style: chr11-118307407-G-GGCGGCC.
Other names: c.186_191dup, p.Ala67_Gly68insAlaAla (NM_001412597.1, NM_005933.4).
Identifiers: ClinVar variation 3709050 (VCV003709050.2).

ClinVar aggregate classification (germline): Uncertain significance (1 of 4 stars; one submission).

Submission:

Labcorp Genetics (formerly Invitae), Labcorp
Classification: Uncertain significance. Last evaluated: 2024-07-24. Review status: criteria provided, single submitter. Criteria: Invitae Variant Classification Sherloc (09022015). Collection method: clinical testing. Allele origin: germline.
Comment: This variant, c.186_191dup, results in the insertion of 2 amino acid(s) of the KMT2A protein (p.Ala66_Ala67dup), but otherwise preserves the integrity of the reading frame. The frequency data for this variant in the population databases is considered unreliable, as metrics indicate poor data quality at this position in the gnomAD database. This variant has not been reported in the literature in individuals affected with KMT2A-related conditions. Experimental studies and prediction algorithms are not available or were not evaluated, and the functional significance of this variant is currently unknown. In summary, the available evidence is currently insufficient to determine the role of this variant in disease. Therefore, it has been classified as a Variant of Uncertain Significance.